The following is an entry in ClinVar:

ClinVar aggregate classification (germline): Conflicting classifications of pathogenicity. Review status: criteria provided, conflicting classifications (1 of 4 stars). 19 submissions from 17 submitters: Pathogenic (6); Likely pathogenic (10); Uncertain significance (1). 2 of the submissions do not count toward it. Last evaluated 2025-11-10.

Conditions:
NBN-related disorder. Also called: NBN-related condition.
Gastric cancer. Also called: Malignant tumor of stomach; Stomach cancer. Identifiers: MedGen C0024623, MeSH D013274, MONDO:0001056, OMIM 613659, HP:0012126.
Microcephaly, normal intelligence and immunodeficiency (NBS). Also called: IMMUNODEFICIENCY, MICROCEPHALY, AND CHROMOSOMAL INSTABILITY; BERLIN BREAKAGE SYNDROME; Immunodeficiency, microcephaly with normal intelligence; SEEMANOVA SYNDROME II; Nijmegen breakage syndrome; Microcephaly with normal intelligence immunodeficiency and lymphoreticular malignancies. Identifiers: Orphanet 647, MedGen C0398791, MONDO:0009623, OMIM 251260.
Acute lymphoid leukemia (ALL). Also called: Lymphoblastic leukemia; Leukemia, acute lymphoblastic, somatic; Acute lymphoblastic leukemia; Acute lymphocytic leukemia. Identifiers: Orphanet 513, MedGen C0023449, MONDO:0004967, OMIM 613065, HP:0006721.
Aplastic anemia. Identifiers: Orphanet 182040, Orphanet 88, MedGen C0002874, MONDO:0015909, OMIM 609135, HP:0001915.
Hereditary cancer-predisposing syndrome. Also called: Neoplastic Syndromes, Hereditary; Tumor predisposition; Hereditary neoplastic syndrome; Hereditary Cancer Syndrome. Identifiers: Orphanet 140162, MedGen C0027672, MeSH D009386, MONDO:0015356.

Allele frequency attached by ClinVar (database versions not stated): gnomAD exomes 0.00003 and 0.00004; TOPMed 0.00003; ExAC 0.00006; gnomAD 0.00006; ESP Exome Variant Server 0.00008.
gnomAD v4.1: 67 of 1,613,736 alleles (0.0042%); highest among the groups gnomAD compares: African/African-American, 0.0067%; no homozygotes.

Submissions 1 to 12 of 19:

Labcorp Genetics (formerly Invitae), Labcorp
Classification: Pathogenic for Microcephaly, normal intelligence and immunodeficiency. Last evaluated: 2025-11-10. Review status: criteria provided, single submitter. Criteria: Invitae Variant Classification Sherloc (09022015). Collection method: clinical testing. Allele origin: germline.
Comment: This sequence change creates a premature translational stop signal (p.Arg43*) in the NBN gene. It is expected to result in an absent or disrupted protein product. Loss-of-function variants in NBN are known to be pathogenic (PMID: 9590180, 16415040). This variant is present in population databases (rs200287925, gnomAD 0.02%). This premature translational stop signal has been observed in individual(s) with triple negative breast cancer (PMID: 24763289, 26976419). ClinVar contains an entry for this variant (Variation ID: 142203). For these reasons, this variant has been classified as Pathogenic.

Natera, Inc.
Classification: Likely pathogenic for Nijmegen breakage syndrome. Last evaluated: 2025-09-24. Review status: criteria provided, single submitter. Criteria: Natera Variant Classification Schema (03/2026). Collection method: clinical testing. Allele origin: germline.
Comment: The c.127C>T variant in NBN is a nonsense variant predicted to introduce a stop codon at amino acid 43. This variant is expected to result in nonsense mediated decay, truncation, or a dysfunctional protein product. This variant is rare in the general population with a frequency below the threshold expected for the associated phenotype(s). Given the available evidence, this variant is classified as Likely Pathogenic.

Ambry Genetics
Classification: Uncertain significance for Hereditary cancer-predisposing syndrome. Last evaluated: 2024-12-19. Review status: criteria provided, single submitter. Criteria: Ambry Variant Classification Scheme 2023. Collection method: clinical testing. Allele origin: germline.
Comment: The p.R43* variant (also known as c.127C>T), located in coding exon 2 of the NBN gene, results from a C to T substitution at nucleotide position 127. This changes the amino acid from an arginine to a stop codon within coding exon 2. The predicted stop codon occurs within the first 150 nucleotides of theNBN gene. This alteration may escape nonsense-mediated mRNAdecay and/or be rescued by re-initiation (Rivas MA et al. Science. 2015 May 8;348(6235):666-9; Lindeboom RGH et al. Nat. Genet. 2016 Oct;48(10):1112-8; Rhee JK et al. Sci. Rep. 2017 May 10;7(1):1653). Re-initiation on a downstream methionine would disrupt the forkhead-associated domain (FHA) which has been implicated in NBN function (Zhao S et al. Nucleic Acids Res. 2002 Nov;30:4815-22). However, the exact functional impact of this particular alteration is unknown at this time. This alteration has been reported in patients with breast cancer (Damiola F et al. Breast Cancer Res. 2014 Jun;16:R58; Thompson ER et al. J. Clin. Oncol. 2016 May;34:1455-9; Tung N et al. J. Clin. Oncol. 2016 May;34:1460-8). Based on the available evidence, the clinical significance of this variant remains unclear.

Blueprint Genetics
Classification: Likely pathogenic for NBN-related disorders. Last evaluated: 2024-10-24. Review status: criteria provided, single submitter. Criteria: ACMG Guidelines, 2015. Collection method: clinical testing. Allele origin: germline. Affected: yes. Observed: 3 variant alleles.

Fulgent Genetics
Classification: Likely pathogenic for Microcephaly, normal intelligence and immunodeficiency; Aplastic anemia; Acute lymphoid leukemia. Last evaluated: 2024-04-23. Review status: criteria provided, single submitter. Criteria: ACMG Guidelines, 2015. Collection method: clinical testing. Allele origin: germline.

Baylor Genetics
Classification: Likely pathogenic for Aplastic anemia. Last evaluated: 2024-03-01. Review status: criteria provided, single submitter. Criteria: ACMG Guidelines, 2015. Collection method: clinical testing. Allele origin: unknown.

GeneDx
Classification: Likely pathogenic. Last evaluated: 2024-01-22. Review status: criteria provided, single submitter. Criteria: GeneDx Variant Classification Process June 2021. Collection method: clinical testing. Allele origin: germline. Affected: yes.
Comment: Nonsense variant predicted to result in protein truncation or nonsense mediated decay in a gene for which loss-of-function is a known mechanism of disease; Not observed at significant frequency in large population cohorts (gnomAD); Observed in individuals with a personal history of breast cancer or glioblastoma (PMID: 24894818, 26786923, 26976419, 32318955, 26689913); This variant is associated with the following publications: (PMID: 24763289, 29922827, 29625052, 25032700, 26976419, 26786923, 19523210, 24894818, 26787654, 29555771, 26689913, 32318955, 31980526, 34072463, 32427313, 33804961, 35257886, 12433983, 11279524, 12708449, 19105185, 36988593, 33344249, 34887416, 34308104, 36451132)

Women's Health and Genetics/Laboratory Corporation of America, LabCorp
Classification: Pathogenic for Microcephaly, normal intelligence and immunodeficiency. Last evaluated: 2022-11-04. Review status: criteria provided, single submitter. Criteria: LabCorp Variant Classification Summary - May 2015. Collection method: clinical testing. Allele origin: germline.
Comment: Variant summary: NBN c.127C>T (p.Arg43X) results in a premature termination codon, predicted to cause a truncation of the encoded protein or absence of the protein due to nonsense mediated decay, which are commonly known mechanisms for disease. Truncations downstream of this position have been classified as pathogenic by our laboratory. The variant allele was found at a frequency of 3.2e-05 in 251426 control chromosomes (gnomAD). c.127C>T has been reported in the literature in individuals affected with various cancers, including those of the breast and brain (e.g. Damiola_2014, LaDuca_2014, Lu_2015, Thompson_2016). These data indicate that the variant is likely to be associated with disease. To our knowledge, no experimental evidence demonstrating an impact on protein function has been reported. Eleven ClinVar submitters have assessed the variant since 2014: one classified the variant as uncertain significance, six as likely pathogenic, and four as pathogenic. Based on the evidence outlined above, the variant was classified as pathogenic.

Sema4
Classification: Likely pathogenic for Hereditary cancer-predisposing syndrome. Last evaluated: 2022-02-18. Review status: criteria provided, single submitter. Criteria: Sema4 Curation Guidelines. Collection method: curation. Allele origin: germline.
Comment: The NBN c.127C>T (p.R43X) variant has been reported in heterozygosity in at least four individuals with breast cancer and at least one individual with glioblastoma (PMID: 32318955, 32427313, 26976419, 26689913, 29625052). This nonsense variant creates a premature stop codon at residue 43 of the NBN protein. This variant is expected to result in an absent or non-functional protein product. Loss of function variants in NBN are known to be pathogenic (PMID: 9590180, 16415040). However, the deleterious impact may be attenuated by alternative translation initiation (PMID: 11279524, 12708449, 19105185). This variant was observed in 4/21638 chromosomes in the Finnish population according to the Genome Aggregation Database (PMID: 32461654). The variant has been reported in ClinVar (Variation ID: 142203). Based on the current evidence available, this variant is interpreted as likely pathogenic.

Genome-Nilou Lab
Classification: Pathogenic for Microcephaly, normal intelligence and immunodeficiency. Last evaluated: 2021-11-07. Review status: criteria provided, single submitter. Criteria: ACMG Guidelines, 2015. Collection method: clinical testing. Allele origin: germline. Affected: no.

Institute for Clinical Genetics, University Hospital TU Dresden, University Hospital TU Dresden
Classification: Pathogenic. Last evaluated: 2021-11-03. Review status: criteria provided, single submitter. Criteria: ACMG Guidelines, 2015. Collection method: clinical testing. Allele origin: germline.

Baylor Genetics
Classification: Pathogenic for Microcephaly, normal intelligence and immunodeficiency. Last evaluated: 2021-01-31. Review status: criteria provided, single submitter. Criteria: ACMG Guidelines, 2015. Collection method: clinical testing. Allele origin: unknown. Affected: yes. Study: CSER-TexasKidsCanSeq.
Comment: This variant was determined to be pathogenic according to ACMG Guidelines, 2015 [PMID:25741868].

NM_002485.5(NBN):c.127C>T (p.Arg43Ter)

Gene: NBN (nibrin; minus strand). Cytogenetic location: 8q21.3.
Variant type: single nucleotide variant.
Coding change: c.127C>T on transcript NM_002485.5 (MANE Select); coding-DNA position 127, C replaced by T.
Protein change: p.Arg43Ter; replaces arginine 43 with a stop codon.
Molecular consequence: nonsense. On other transcripts: 5 prime UTR variant (1).
Genome position (GRCh38, 1-based): chr8:89,982,766, G>A on the plus strand (C>T on the coding strand, the complement: NBN is on the minus strand). VCF-style: chr8-89982766-G-A. GRCh37 (hg19) VCF-style: chr8-90994994-G-A.
Other names: c.-170C>T (NM_001024688.3); short protein forms R43*.
Identifiers: ClinVar variation 142203 (VCV000142203.71), dbSNP rs200287925, ClinGen allele CA167743.